The following is an entry in ClinVar:

ClinVar aggregate classification (germline): Uncertain significance (1 of 4 stars; one submission).

Conditions:
Progressive familial heart block type IB (PFHB1B). Identifiers: Orphanet 871, MedGen C1970298, MONDO:0011474, OMIM 604559.

Submission:

Labcorp Genetics (formerly Invitae), Labcorp
Classification: Uncertain significance for Progressive familial heart block type IB. Last evaluated: 2020-11-28. Review status: criteria provided, single submitter. Criteria: Invitae Variant Classification Sherloc (09022015). Collection method: clinical testing. Allele origin: germline.
Comment: Algorithms developed to predict the effect of missense changes on protein structure and function are either unavailable or do not agree on the potential impact of this missense change (SIFT: "Deleterious"; PolyPhen-2: "Benign"; Align-GVGD: "Class C0"). This variant has not been reported in the literature in individuals with TRPM4-related conditions. This variant is not present in population databases (ExAC no frequency). This sequence change replaces glycine with cysteine at codon 582 of the TRPM4 protein (p.Gly582Cys). The glycine residue is moderately conserved and there is a large physicochemical difference between glycine and cysteine. In summary, the available evidence is currently insufficient to determine the role of this variant in disease. Therefore, it has been classified as a Variant of Uncertain Significance.

NM_017636.4(TRPM4):c.1744G>T (p.Gly582Cys)

Gene: TRPM4 (transient receptor potential cation channel subfamily M member 4; plus strand). Cytogenetic location: 19q13.33.
Variant type: single nucleotide variant.
Coding change: c.1744G>T on transcript NM_017636.4 (MANE Select); coding-DNA position 1744, G replaced by T.
Protein change: p.Gly582Cys; replaces glycine 582 with cysteine.
Molecular consequence: missense variant.
Genome position (GRCh38, 1-based): chr19:49,188,641, G>T. VCF-style: chr19-49188641-G-T. GRCh37 (hg19) VCF-style: chr19-49691898-G-T.
Other names: c.1744G>T, p.Gly582Cys (NM_001195227.2); c.1399G>T, p.Gly467Cys (NM_001321281.2); c.136G>T, p.Gly46Cys (NM_001321282.2); c.1222G>T, p.Gly408Cys (NM_001321283.2); c.682G>T, p.Gly228Cys (NM_001321285.2); short protein forms G467C, G408C, G582C, G228C, G46C.
Identifiers: ClinVar variation 1436875 (VCV001436875.8), dbSNP rs172149856, ClinGen allele CA406802630.